The following is an entry in ClinVar:

ClinVar aggregate classification (germline): Uncertain significance. Review status: criteria provided, multiple submitters, no conflicts (2 of 4 stars). 4 submissions from 4 submitters: Uncertain significance (4). Last evaluated 2026-02-16.

Conditions:
Inborn genetic diseases. Identifiers: MedGen C0950123, MeSH D030342.

Allele frequency attached by ClinVar (database versions not stated): TOPMed 0.00003; ExAC 0.00001; gnomAD exomes 0.00001 and 0.00005; gnomAD 0.00002.
gnomAD v4.1: 71 of 1,613,958 alleles (0.0044%); highest among the groups gnomAD compares: Non-Finnish European, 0.0056%; no homozygotes.

Submissions (4):

Women's Health and Genetics/Laboratory Corporation of America, LabCorp
Classification: Uncertain significance. Last evaluated: 2026-02-16. Review status: criteria provided, single submitter. Criteria: LabCorp Variant Classification Summary - May 2015. Collection method: clinical testing. Allele origin: germline.
Comment: Variant summary: COL9A2 c.1985G>A (p.Gly662Asp) results in a non-conservative amino acid change in the encoded protein sequence. Algorithms developed to predict the effect of missense changes on protein structure and function all suggest that this variant is likely to be disruptive. The variant allele was found at a frequency of 1.2e-05 in 248442 control chromosomes. The available data on variant occurrences in the general population are insufficient to allow any conclusion about variant significance. To our knowledge, no occurrence of c.1985G>A in individuals affected with COL9A2-related conditions and no experimental evidence demonstrating its impact on protein function have been reported. ClinVar contains an entry for this variant (Variation ID: 1000392). Based on the evidence outlined above, the variant was classified as uncertain significance.

Labcorp Genetics (formerly Invitae), Labcorp
Classification: Uncertain significance. Last evaluated: 2026-02-02. Review status: criteria provided, single submitter. Criteria: Invitae Variant Classification Sherloc (09022015). Collection method: clinical testing. Allele origin: germline.
Comment: This sequence change replaces glycine, which is neutral and non-polar, with aspartic acid, which is acidic and polar, at codon 662 of the COL9A2 protein (p.Gly662Asp). This variant is present in population databases (rs747178798, gnomAD 0.008%). This variant has not been reported in the literature in individuals affected with COL9A2-related conditions. ClinVar contains an entry for this variant (Variation ID: 1000392). Invitae Evidence Modeling of protein sequence and biophysical properties (such as structural, functional, and spatial information, amino acid conservation, physicochemical variation, residue mobility, and thermodynamic stability) indicates that this missense variant is expected to disrupt COL9A2 protein function with a positive predictive value of 95%. In summary, the available evidence is currently insufficient to determine the role of this variant in disease. Therefore, it has been classified as a Variant of Uncertain Significance.

Ambry Genetics
Classification: Uncertain significance for Inborn genetic diseases. Last evaluated: 2025-09-26. Review status: criteria provided, single submitter. Criteria: Ambry Variant Classification Scheme 2023. Collection method: clinical testing. Allele origin: germline.

Blueprint Genetics
Classification: Uncertain significance. Last evaluated: 2021-11-09. Review status: criteria provided, single submitter. Criteria: ACMG Guidelines, 2015. Collection method: clinical testing. Allele origin: germline.

NM_001852.4(COL9A2):c.1985G>A (p.Gly662Asp)

Gene: COL9A2 (collagen type IX alpha 2 chain; minus strand). Cytogenetic location: 1p34.2.
Variant type: single nucleotide variant.
Coding change: c.1985G>A on transcript NM_001852.4 (MANE Select); coding-DNA position 1985, G replaced by A.
Protein change: p.Gly662Asp; replaces glycine 662 with aspartic acid.
Molecular consequence: missense variant.
Genome position (GRCh38, 1-based): chr1:40,301,267, C>T on the plus strand (G>A on the coding strand, the complement: COL9A2 is on the minus strand). VCF-style: chr1-40301267-C-T. GRCh37 (hg19) VCF-style: chr1-40766939-C-T.
Other names: c.1985G>A (NM_001852.3); short protein forms G662D.
Identifiers: ClinVar variation 1000392 (VCV001000392.12), dbSNP rs747178798, ClinGen allele CA791261.